The following is an entry in ClinVar:

ClinVar aggregate classification (germline): Likely pathogenic (1 of 4 stars; one submission).

Conditions:
Waardenburg syndrome type 4A (WS4A). Also called: WAARDENBURG SYNDROME WITH HIRSCHSPRUNG DISEASE, TYPE 4A. Identifiers: Orphanet 897, MedGen C1848519, MONDO:0010192, OMIM 277580.

Submission:

3billion
Classification: Likely pathogenic for Waardenburg syndrome type 4A. Last evaluated: 2022-01-03. Review status: criteria provided, single submitter. Criteria: ACMG Guidelines, 2015. Collection method: clinical testing. Allele origin: germline. Affected: yes. Observed: 1 heterozygote.
Comment: Canonical splice site: predicted to alter splicing and result in a loss or disruption of normal protein function through protein truncation. Multiple pathogenic variants are reported in the predicted truncated region (PVS1_VS).It is not observed in the gnomAD v2.1.1 dataset (PM2_M). Therefore, this variant is classified as likely pathogenic according to the recommendation of ACMG/AMP guideline.

NM_001122659.3(EDNRB):c.801+1G>T

Genes: EDNRB (endothelin receptor type B; minus strand), EDNRB-AS1 (EDNRB antisense RNA 1; plus strand). Cytogenetic location: 13q22.3.
Variant type: single nucleotide variant.
Coding change: c.801+1G>T on transcript NM_001122659.3 (MANE Select); the canonical splice donor site of the intron after coding-DNA position 801, G replaced by T.
Molecular consequence: splice donor variant.
Genome position (GRCh38, 1-based): chr13:77,903,155, C>A on the plus strand (G>T on the coding strand, the complement: EDNRB is on the minus strand). VCF-style: chr13-77903155-C-A. GRCh37 (hg19) VCF-style: chr13-78477290-C-A.
Other names: c.801+1G>T (NM_000115.5, NM_003991.4); c.1071+1G>T (NM_001201397.2).
Identifiers: ClinVar variation 1333432 (VCV001333432.1), dbSNP rs2137610842, ClinGen allele CA388450525.